The following is an entry in ClinVar:

ClinVar aggregate classification (germline): Likely benign. Review status: criteria provided, multiple submitters, no conflicts (2 of 4 stars). 3 submissions from 3 submitters: Likely benign (2). 1 of the submissions does not count toward it. Last evaluated 2024-09-27.

Conditions:
TGFB3-related disorder. Also called: TGFB3-related condition.
Rienhoff syndrome. Also called: LOEYS-DIETZ SYNDROME 5. Identifiers: MedGen C3810012, MONDO:0014262, OMIM 615582.
Familial thoracic aortic aneurysm and aortic dissection (TAAD). Also called: Thoracic aortic aneurysms and dissections. Identifiers: Orphanet 91387, MedGen C4707243, MONDO:0019625.

Allele frequency attached by ClinVar (database versions not stated): gnomAD exomes 0.00001; TOPMed 0.00001.

Submissions (3):

Labcorp Genetics (formerly Invitae), Labcorp
Classification: Likely benign for Rienhoff syndrome. Last evaluated: 2024-09-27. Review status: criteria provided, single submitter. Criteria: Invitae Variant Classification Sherloc (09022015). Collection method: clinical testing. Allele origin: germline.

Ambry Genetics
Classification: Likely benign for Familial thoracic aortic aneurysm and aortic dissection. Last evaluated: 2019-09-08. Review status: criteria provided, single submitter. Criteria: Ambry Variant Classification Scheme 2023. Collection method: clinical testing. Allele origin: germline.

PreventionGenetics, part of Exact Sciences
Classification: Likely benign for TGFB3-related condition. Last evaluated: 2024-05-29. Review status: no assertion criteria provided. Collection method: clinical testing. Allele origin: germline. Not counted in ClinVar's aggregate classification.
Comment: This variant is classified as likely benign based on ACMG/AMP sequence variant interpretation guidelines (Richards et al. 2015 PMID: 25741868, with internal and published modifications).

NM_003239.5(TGFB3):c.1179G>A (p.Gly393=)

Gene: TGFB3 (transforming growth factor beta 3; minus strand). Cytogenetic location: 14q24.3.
Variant type: single nucleotide variant.
Coding change: c.1179G>A on transcript NM_003239.5 (MANE Select); coding-DNA position 1179, G replaced by A.
Protein change: p.Gly393=; no amino-acid change (glycine 393 retained).
Molecular consequence: synonymous variant.
Genome position (GRCh38, 1-based): chr14:75,959,247, C>T on the plus strand (G>A on the coding strand, the complement: TGFB3 is on the minus strand). VCF-style: chr14-75959247-C-T. GRCh37 (hg19) VCF-style: chr14-76425590-C-T.
Other names: c.1179G>A, p.Gly393= (NM_001329939.2); c.1179G>A (NM_003239.4).
Identifiers: ClinVar variation 477632 (VCV000477632.14), dbSNP rs1555360030, ClinGen allele CA487188623.